The following is an entry in ClinVar:

ClinVar aggregate classification (germline): Uncertain significance. Review status: criteria provided, multiple submitters, no conflicts (2 of 4 stars). 2 submissions from 2 submitters: Uncertain significance (2). Last evaluated 2025-07-23.

Conditions:
Long QT syndrome (LQTS). Identifiers: MedGen C0023976, MeSH D008133, MONDO:0002442. Disease mechanism: loss of function. Inheritance: Various modes of inheritance.
Timothy syndrome (TS). Also called: LONG QT SYNDROME WITH SYNDACTYLY. Identifiers: Orphanet 65283, MedGen C1832916, MeSH C536962, MONDO:0010979, OMIM 601005.
Long QT syndrome 8. Identifiers: MedGen CN260585, MONDO:0032756, OMIM 618447.
Neurodevelopmental disorder with hypotonia, language delay, and skeletal defects with or without seizures (NEDHLSS). Identifiers: MedGen C5774213, MONDO:0859286, OMIM 620029.
Brugada syndrome 3 (BRGDA3). Identifiers: Orphanet 130, MedGen C2678478, MONDO:0012742, OMIM 611875.

Allele frequency attached by ClinVar (database versions not stated): ESP Exome Variant Server 0.00008.
gnomAD v4.1: 7 of 1,613,750 alleles (0.00043%); highest among the groups gnomAD compares: African/African-American, 0.0013%; no homozygotes.

Submissions (2):

Labcorp Genetics (formerly Invitae), Labcorp
Classification: Uncertain significance for Long QT syndrome. Last evaluated: 2025-07-23. Review status: criteria provided, single submitter. Criteria: Invitae Variant Classification Sherloc (09022015). Collection method: clinical testing. Allele origin: germline.
Comment: This sequence change replaces glycine, which is neutral and non-polar, with serine, which is neutral and polar, at codon 1762 of the CACNA1C protein (p.Gly1762Ser). The frequency data for this variant in the population databases is considered unreliable, as metrics indicate poor data quality at this position in the gnomAD database. This variant has not been reported in the literature in individuals affected with CACNA1C-related conditions. ClinVar contains an entry for this variant (Variation ID: 2899283). Invitae Evidence Modeling of protein sequence and biophysical properties (such as structural, functional, and spatial information, amino acid conservation, physicochemical variation, residue mobility, and thermodynamic stability) indicates that this missense variant is not expected to disrupt CACNA1C protein function with a negative predictive value of 95%. In summary, the available evidence is currently insufficient to determine the role of this variant in disease. Therefore, it has been classified as a Variant of Uncertain Significance.

Fulgent Genetics
Classification: Uncertain significance for Timothy syndrome; Brugada syndrome 3; Long QT syndrome 8; Neurodevelopmental disorder with hypotonia, language delay, and skeletal defects with or without seizures. Last evaluated: 2024-05-20. Review status: criteria provided, single submitter. Criteria: ACMG Guidelines, 2015. Collection method: clinical testing. Allele origin: germline.

NM_000719.7(CACNA1C):c.5284G>A (p.Gly1762Ser)

Genes: CACNA1C (calcium voltage-gated channel subunit alpha1 C; plus strand), CACNA1C-AS1 (CACNA1C antisense RNA 1; minus strand). Cytogenetic location: 12p13.33.
Variant type: single nucleotide variant.
Coding change: c.5284G>A on transcript NM_000719.7 (MANE Select); coding-DNA position 5284, G replaced by A.
Protein change: p.Gly1762Ser; replaces glycine 1762 with serine.
Molecular consequence: missense variant.
Genome position (GRCh38, 1-based): chr12:2,679,636, G>A. VCF-style: chr12-2679636-G-A. GRCh37 (hg19) VCF-style: chr12-2788802-G-A.
Other names: c.5428G>A, p.Gly1810Ser (NM_001129827.2, NM_199460.4); c.5407G>A, p.Gly1803Ser (NM_001129829.2); c.5284G>A, p.Gly1762Ser (NM_001129830.3, NM_001129840.2, NM_001129841.2 and 4 more transcripts); c.5368G>A, p.Gly1790Ser (NM_001129831.2); c.5344G>A, p.Gly1782Ser (NM_001129832.2); c.5341G>A, p.Gly1781Ser (NM_001129833.2, NM_001129834.2, NM_001129835.2); c.5335G>A, p.Gly1779Ser (NM_001129836.2); c.5308G>A, p.Gly1770Ser (NM_001129837.2, NM_001129838.2); and 3 more; short protein forms G1782S, G1790S, G1751S, G1770S, G1779S, G1781S, G1803S, G1759S.
Identifiers: ClinVar variation 2899283 (VCV002899283.4), dbSNP rs374863121, ClinGen allele CA6389747.